The following is an entry in ClinVar:

ClinVar aggregate classification (germline): Likely benign (0 of 4 stars; one submission).

Conditions:
KCNQ1-related disorder. Also called: KCNQ1-related condition; KCNQ1-related disorders. Identifiers: MedGen CN239322.

Allele frequency attached by ClinVar (database versions not stated): gnomAD exomes 0.00009; 1000 Genomes Project 30x 0.00031; gnomAD 0.00066; TOPMed 0.00071.

Submission:

PreventionGenetics, part of Exact Sciences
Classification: Likely benign for KCNQ1-related condition. Last evaluated: 2023-04-05. Review status: no assertion criteria provided. Collection method: clinical testing. Allele origin: germline.
Comment: This variant is classified as likely benign based on ACMG/AMP sequence variant interpretation guidelines (Richards et al. 2015 PMID: 25741868, with internal and published modifications).

NM_000218.3(KCNQ1):c.1393+23369del

Genes: KCNQ1 (potassium voltage-gated channel subfamily Q member 1; plus strand), KCNQ1OT1 (KCNQ1 opposite strand/antisense transcript 1; minus strand). Cytogenetic location: 11p15.5.
Variant type: Deletion.
Coding change: c.1393+23369del on transcript NM_000218.3 (MANE Select); 23369 bases into the intron after coding-DNA position 1393, one base deleted (C; older notation c.1393+23369delC).
Molecular consequence: intron variant. On other transcripts: non-coding transcript variant (1).
Genome position (GRCh38, 1-based): chr11:2,612,223, C deleted. VCF-style (leftmost placement, unchanged base first): chr11-2612222-TC-T. GRCh37 (hg19) VCF-style: chr11-2633452-TC-T.
Other names: c.1123+23369del (NM_001406837.1); c.1297+23369del (NM_001406836.1); c.853+23369del (NM_001406838.1); c.1012+23369del (NM_181798.2).
Identifiers: ClinVar variation 3055078 (VCV003055078.2), dbSNP rs1029655687, ClinGen allele CA216357393.
Genomic context (GRCh38, chr11:2,612,222, plus strand): 5'-CAGCAGGAGGTGAGCAGCAGGCAAGCAAGCATTACTGCCTGAGCTCTGCCTCCTGTCTGA[TC>T]AGTGATGGCATTAGATTCTCACAGAGAGCAAATCCTATTGTGAACTGAGCATGTGAGGGA-3'